The following is an entry in ClinVar:

NM_052989.3(IFT122):c.825G>T (p.Lys275Asn)

Gene: IFT122 (intraflagellar transport 122; plus strand). Cytogenetic location: 3q21.3.
Variant type: single nucleotide variant.
Coding change: c.825G>T on transcript NM_052989.3 (MANE Select); coding-DNA position 825, G replaced by T.
Protein change: p.Lys275Asn; replaces lysine 275 with asparagine.
Molecular consequence: missense variant.
Genome position (GRCh38, 1-based): chr3:129,476,323, G>T. VCF-style: chr3-129476323-G-T. GRCh37 (hg19) VCF-style: chr3-129195166-G-T.
Other names: c.801G>T, p.Lys267Asn (NM_001280541.2); c.375G>T, p.Lys125Asn (NM_001280545.2); c.198G>T, p.Lys66Asn (NM_001280546.2); c.648G>T, p.Lys216Asn (NM_018262.4); c.978G>T, p.Lys326Asn (NM_052985.4); c.492G>T, p.Lys164Asn (NM_052990.3); short protein forms K326N, K125N, K216N, K275N, K164N, K267N, K66N.
Identifiers: ClinVar variation 262274 (VCV000262274.20), dbSNP rs117517364, ClinGen allele CA2606008.

ClinVar aggregate classification (germline): Benign/Likely benign. Review status: criteria provided, multiple submitters, no conflicts (2 of 4 stars). 5 submissions from 5 submitters: Benign (3); Likely benign (2). Last evaluated 2026-01-23.

Conditions:
Cranioectodermal dysplasia 1 (CED1). Also called: LEVIN SYNDROME I. Identifiers: Orphanet 1515, MedGen C0432235, MONDO:0021093, OMIM 218330.

Allele frequency attached by ClinVar (database versions not stated): gnomAD exomes 0.00087 and 0.00289; gnomAD 0.00095 and 0.00131; TOPMed 0.00134; ExAC 0.00273; 1000 Genomes Project 0.00559; 1000 Genomes Project 30x 0.00562.
gnomAD v4.1: 1,474 of 1,614,184 alleles (0.091%); highest among the groups gnomAD compares: East Asian, 3.1%; 25 homozygotes.

Submissions (5):

Labcorp Genetics (formerly Invitae), Labcorp
Classification: Benign for Cranioectodermal dysplasia 1. Last evaluated: 2026-01-23. Review status: criteria provided, single submitter. Criteria: Invitae Variant Classification Sherloc (09022015). Collection method: clinical testing. Allele origin: germline.

Blueprint Genetics
Classification: Likely benign. Last evaluated: 2024-11-21. Review status: criteria provided, single submitter. Criteria: ACMG Guidelines, 2015. Collection method: clinical testing. Allele origin: germline.

GeneDx
Classification: Benign. Last evaluated: 2020-02-17. Review status: criteria provided, single submitter. Criteria: GeneDx Variant Classification Process June 2021. Collection method: clinical testing. Allele origin: germline. Affected: yes.

Illumina Laboratory Services, Illumina
Classification: Benign for Cranioectodermal dysplasia 1. Last evaluated: 2018-01-13. Review status: criteria provided, single submitter. Criteria: ICSL Variant Classification Criteria 13 December 2019. Collection method: clinical testing. Allele origin: germline.
Comment: This variant was observed in the ICSL laboratory as part of a predisposition screen in an ostensibly healthy population. It had not been previously curated by ICSL or reported in the Human Gene Mutation Database (HGMD: prior to June 1st, 2018), and was therefore a candidate for classification through an automated scoring system. Utilizing variant allele frequency, disease prevalence and penetrance estimates, and inheritance mode, an automated score was calculated to assess if this variant is too frequent to cause the disease. Based on the score and internal cut-off values, a variant classified as benign is not then subjected to further curation. The score for this variant resulted in a classification of benign for this disease.

PreventionGenetics, part of Exact Sciences
Classification: Likely benign. Review status: criteria provided, single submitter. Criteria: ACMG Guidelines, 2015. Collection method: clinical testing. Allele origin: germline.